The following is an entry in ClinVar:

NM_152387.4(KCTD18):c.840C>T (p.Gly280=)

Gene: KCTD18 (potassium channel tetramerization domain containing 18; minus strand). Cytogenetic location: 2q33.1.
Variant type: single nucleotide variant.
Coding change: c.840C>T on transcript NM_152387.4 (MANE Select); coding-DNA position 840, C replaced by T.
Protein change: p.Gly280=; no amino-acid change (glycine 280 retained).
Molecular consequence: synonymous variant.
Genome position (GRCh38, 1-based): chr2:200,490,541, G>A on the plus strand (C>T on the coding strand, the complement: KCTD18 is on the minus strand). VCF-style: chr2-200490541-G-A. GRCh37 (hg19) VCF-style: chr2-201355264-G-A.
Other names: c.840C>T, p.Gly280= (NM_001321547.2); c.213C>T, p.Gly71= (NM_001321548.2, NM_001321550.2).
Identifiers: ClinVar variation 2651810 (VCV002651810.24), dbSNP rs188668776, ClinGen allele CA2047575.

ClinVar aggregate classification (germline): Likely benign (1 of 4 stars; one submission).

Allele frequency attached by ClinVar (database versions not stated): ExAC 0.00003; gnomAD exomes 0.00004; gnomAD 0.00006; TOPMed 0.00006; 1000 Genomes Project 30x 0.00031; 1000 Genomes Project 0.00040.
gnomAD v4.1: 81 of 1,603,082 alleles (0.0051%); highest among the groups gnomAD compares: Middle Eastern, 0.049%; no homozygotes.

Submission:

CeGaT Center for Human Genetics Tuebingen
Classification: Likely benign. Last evaluated: 2023-02-01. Review status: criteria provided, single submitter. Criteria: CeGaT Center For Human Genetics Tuebingen Variant Classification Criteria Version 2. Collection method: clinical testing. Allele origin: germline. Affected: yes. Observed: 1 variant allele.
Comment: KCTD18: BP4, BP7